The following is an entry in ClinVar:

NM_000238.4(KCNH2):c.826T>G (p.Cys276Gly)

Gene: KCNH2 (potassium voltage-gated channel subfamily H member 2; minus strand). Cytogenetic location: 7q36.1.
Variant type: single nucleotide variant.
Coding change: c.826T>G on transcript NM_000238.4 (MANE Select); coding-DNA position 826, T replaced by G.
Protein change: p.Cys276Gly; replaces cysteine 276 with glycine.
Molecular consequence: missense variant. On other transcripts: non-coding transcript variant (1).
Genome position (GRCh38, 1-based): chr7:150,958,149, A>C on the plus strand (T>G on the coding strand, the complement: KCNH2 is on the minus strand). VCF-style: chr7-150958149-A-C. GRCh37 (hg19) VCF-style: chr7-150655237-A-C.
Other names: c.538T>G, p.Cys180Gly (NM_001406753.1, NM_001406756.1); c.649T>G, p.Cys217Gly (NM_001406755.1); c.526T>G, p.Cys176Gly (NM_001406757.1); c.826T>G, p.Cys276Gly (NM_172056.3); short protein forms C176G, C180G, C217G, C276G.
Identifiers: ClinVar variation 4614350 (VCV004614350.2).

ClinVar aggregate classification (germline): Uncertain significance. Review status: criteria provided, multiple submitters, no conflicts (2 of 4 stars). 2 submissions from 2 submitters: Uncertain significance (2). Last evaluated 2025-11-03.

Conditions:
Long QT syndrome (LQTS). Identifiers: MedGen C0023976, MeSH D008133, MONDO:0002442. Disease mechanism: loss of function. Inheritance: Various modes of inheritance.
Cardiovascular phenotype. Identifiers: MedGen CN230736.

Submissions (2):

Labcorp Genetics (formerly Invitae), Labcorp
Classification: Uncertain significance for Long QT syndrome. Last evaluated: 2025-11-03. Review status: criteria provided, single submitter. Criteria: Invitae Variant Classification Sherloc (09022015). Collection method: clinical testing. Allele origin: germline.
Comment: This sequence change replaces cysteine, which is neutral and slightly polar, with glycine, which is neutral and non-polar, at codon 276 of the KCNH2 protein (p.Cys276Gly). This variant is not present in population databases (gnomAD no frequency). This variant has not been reported in the literature in individuals affected with KCNH2-related conditions. An algorithm developed to predict the effect of missense changes on protein structure and function (PolyPhen-2) suggests that this variant is likely to be tolerated. In summary, the available evidence is currently insufficient to determine the role of this variant in disease. Therefore, it has been classified as a Variant of Uncertain Significance.

Ambry Genetics
Classification: Uncertain significance for Cardiovascular phenotype. Last evaluated: 2025-10-22. Review status: criteria provided, single submitter. Criteria: Ambry Variant Classification Scheme 2023. Collection method: clinical testing. Allele origin: germline.
Comment: The p.C276G variant (also known as c.826T>G), located in coding exon 4 of the KCNH2 gene, results from a T to G substitution at nucleotide position 826. The cysteine at codon 276 is replaced by glycine, an amino acid with highly dissimilar properties. This amino acid position is not well conserved in available vertebrate species. In addition, the in silico prediction for this alteration is inconclusive. Based on the available evidence, the clinical significance of this variant remains unclear.